The following is an entry in ClinVar:

NM_001382391.1(CSPP1):c.2939T>G (p.Val980Gly)

Gene: CSPP1 (centrosome and spindle pole associated protein 1; plus strand). Cytogenetic location: 8q13.2.
Variant type: single nucleotide variant.
Coding change: c.2939T>G on transcript NM_001382391.1 (MANE Select); coding-DNA position 2939, T replaced by G.
Protein change: p.Val980Gly; replaces valine 980 with glycine.
Molecular consequence: missense variant.
Genome position (GRCh38, 1-based): chr8:67,172,526, T>G. VCF-style: chr8-67172526-T-G. GRCh37 (hg19) VCF-style: chr8-68084761-T-G.
Other names: c.1889T>G, p.Val630Gly (NM_001291339.2); c.2858T>G, p.Val953Gly (NM_001363131.2); c.2744T>G, p.Val915Gly (NM_001363132.2); c.2663T>G, p.Val888Gly (NM_001363133.2); c.3005T>G, p.Val1002Gly (NM_001364869.1); c.2825T>G, p.Val942Gly (NM_001364870.1); c.2924T>G, p.Val975Gly (NM_024790.7); short protein forms V942G, V1002G, V980G, V630G, V888G, V953G, V975G, V915G.
Identifiers: ClinVar variation 1501663 (VCV001501663.6), dbSNP rs1830675527, ClinGen allele CA371195851.

ClinVar aggregate classification (germline): Uncertain significance (1 of 4 stars; one submission).

Conditions:
Joubert syndrome 21 (JBTS21). Identifiers: MedGen C3810212, MONDO:0014288, OMIM 615636.

Allele frequency attached by ClinVar (database versions not stated): TOPMed below 0.00001.

Submission:

Labcorp Genetics (formerly Invitae), Labcorp
Classification: Uncertain significance for Joubert syndrome 21. Last evaluated: 2022-07-05. Review status: criteria provided, single submitter. Criteria: Invitae Variant Classification Sherloc (09022015). Collection method: clinical testing. Allele origin: germline.
Comment: In summary, the available evidence is currently insufficient to determine the role of this variant in disease. Therefore, it has been classified as a Variant of Uncertain Significance. Algorithms developed to predict the effect of missense changes on protein structure and function are either unavailable or do not agree on the potential impact of this missense change (SIFT: "Deleterious"; PolyPhen-2: "Benign"; Align-GVGD: "Class C0"). ClinVar contains an entry for this variant (Variation ID: 1501663). This variant has not been reported in the literature in individuals affected with CSPP1-related conditions. This variant is not present in population databases (gnomAD no frequency). This sequence change replaces valine, which is neutral and non-polar, with glycine, which is neutral and non-polar, at codon 975 of the CSPP1 protein (p.Val975Gly).